The following is an entry in ClinVar:

ClinVar aggregate classification (germline): Uncertain significance. Review status: criteria provided, multiple submitters, no conflicts (2 of 4 stars). 3 submissions from 3 submitters: Uncertain significance (3). Last evaluated 2025-04-15.

Conditions:
RAX2-related disorder. Also called: RAX2-related condition; RAX2-related disorders.

Allele frequency attached by ClinVar (database versions not stated): gnomAD exomes 0.00001; ExAC 0.00002.

Submissions (3):

PreventionGenetics, part of Exact Sciences
Classification: Uncertain significance for RAX2-related condition. Last evaluated: 2025-04-15. Review status: criteria provided, single submitter. Criteria: ACMG Guidelines, 2015. Collection method: clinical testing. Allele origin: germline.
Comment: The RAX2 c.53C>T variant is predicted to result in the amino acid substitution p.Pro18Leu. To our knowledge, this variant has not been reported in the literature. This variant is reported in 0.0066% of alleles in individuals of South Asian descent in gnomAD. At this time, the clinical significance of this variant is uncertain due to the absence of conclusive functional and genetic evidence.

Blueprint Genetics
Classification: Uncertain significance. Last evaluated: 2024-06-07. Review status: criteria provided, single submitter. Criteria: ACMG Guidelines, 2015. Collection method: clinical testing. Allele origin: germline.

Labcorp Genetics (formerly Invitae), Labcorp
Classification: Uncertain significance. Last evaluated: 2023-08-07. Review status: criteria provided, single submitter. Criteria: Invitae Variant Classification Sherloc (09022015). Collection method: clinical testing. Allele origin: germline.
Comment: This sequence change replaces proline, which is neutral and non-polar, with leucine, which is neutral and non-polar, at codon 18 of the RAX2 protein (p.Pro18Leu). The frequency data for this variant in the population databases is considered unreliable, as metrics indicate poor data quality at this position in the gnomAD database. In summary, the available evidence is currently insufficient to determine the role of this variant in disease. Therefore, it has been classified as a Variant of Uncertain Significance. An algorithm developed to predict the effect of missense changes on protein structure and function (PolyPhen-2) suggests that this variant is likely to be disruptive. ClinVar contains an entry for this variant (Variation ID: 1522770). This variant has not been reported in the literature in individuals affected with RAX2-related conditions.

NM_001319074.4(RAX2):c.53C>T (p.Pro18Leu)

Gene: RAX2 (retina and anterior neural fold homeobox 2; minus strand). Cytogenetic location: 19p13.3.
Variant type: single nucleotide variant.
Coding change: c.53C>T on transcript NM_001319074.4 (MANE Select); coding-DNA position 53, C replaced by T.
Protein change: p.Pro18Leu; replaces proline 18 with leucine.
Molecular consequence: missense variant.
Genome position (GRCh38, 1-based): chr19:3,771,690, G>A on the plus strand (C>T on the coding strand, the complement: RAX2 is on the minus strand). VCF-style: chr19-3771690-G-A. GRCh37 (hg19) VCF-style: chr19-3771688-G-A.
Other names: c.53C>T, p.Pro18Leu (NM_032753.4); c.53C>T (NM_032753.3); short protein forms P18L.
Identifiers: ClinVar variation 1522770 (VCV001522770.10), dbSNP rs778194719, ClinGen allele CA9085133.
Genomic context (GRCh38, chr19:3,771,690, plus strand): 5'-TGGTAGGTGGTGAAGGTGGTGCGGTTCCTCCGGTGCTTCTTCTTGGGGGCCTCCTCGCCC[G>A]GCCCCAGACCCCCACCCTCGGTTGCCGGCCCCTCGCCCGGGCTCAGGAACATGGCTCCCA-3'
Protein context (NP_001306003.2, residues 8-28): GPATEGGGLG[Pro18Leu]GEEAPKKKHR